The following is an entry in ClinVar:

ClinVar aggregate classification (germline): Uncertain significance (1 of 4 stars; one submission).

gnomAD v4.1: 1 of 1,613,708 alleles (0.000062%); highest among the groups gnomAD compares: Non-Finnish European, 0.000085%; no homozygotes.

Submission:

GeneDx
Classification: Uncertain significance. Last evaluated: 2024-02-15. Review status: criteria provided, single submitter. Criteria: GeneDx Variant Classification Process June 2021. Collection method: clinical testing. Allele origin: germline. Affected: yes.
Comment: Not observed at significant frequency in large population cohorts (gnomAD); In silico analysis supports that this missense variant has a deleterious effect on protein structure/function; Has not been previously published as pathogenic or benign to our knowledge

NM_001083619.3(GRIA2):c.181C>G (p.His61Asp)

Gene: GRIA2 (glutamate ionotropic receptor AMPA type subunit 2; plus strand). Cytogenetic location: 4q32.1.
Variant type: single nucleotide variant.
Coding change: c.181C>G on transcript NM_001083619.3 (MANE Select); coding-DNA position 181, C replaced by G.
Protein change: p.His61Asp; replaces histidine 61 with aspartic acid.
Molecular consequence: missense variant.
Genome position (GRCh38, 1-based): chr4:157,221,759, C>G. VCF-style: chr4-157221759-C-G. GRCh37 (hg19) VCF-style: chr4-158142911-C-G.
Other names: c.181C>G, p.His61Asp (NM_000826.6); c.40C>G, p.His14Asp (NM_001083620.3, NM_001379000.3, NM_001379001.3); short protein forms H14D, H61D.
Identifiers: ClinVar variation 3369157 (VCV003369157.1).
Genomic context (GRCh38, chr4:157,221,759, plus strand): 5'-TACAGTGCATTTCGAGTAGGGATGGTTCAGTTTTCCACTTCGGAGTTCAGACTGACACCC[C>G]ACATCGACAATTTGGAGGTGGCAAACAGCTTCGCAGTCACTAATGCTTGTAAGTAATGAA-3'
Protein context (NP_001077088.2, residues 51-71): FSTSEFRLTP[His61Asp]IDNLEVANSF